The following is an entry in ClinVar:

NM_000179.3(MSH6):c.2765G>A (p.Arg922Gln)

Gene: MSH6 (mutS homolog 6; plus strand). Cytogenetic location: 2p16.3.
Variant type: single nucleotide variant.
Coding change: c.2765G>A on transcript NM_000179.3 (MANE Select); coding-DNA position 2765, G replaced by A.
Protein change: p.Arg922Gln; replaces arginine 922 with glutamine.
Molecular consequence: missense variant.
Genome position (GRCh38, 1-based): chr2:47,800,748, G>A. VCF-style: chr2-47800748-G-A. GRCh37 (hg19) VCF-style: chr2-48027887-G-A.
Other names: c.2375G>A, p.Arg792Gln (NM_001281492.2); c.1859G>A, p.Arg620Gln (NM_001281493.2, NM_001281494.2); short protein forms R922Q, R620Q, R792Q.
Identifiers: ClinVar variation 410514 (VCV000410514.23), dbSNP rs752839086, ClinGen allele CA069598.

ClinVar aggregate classification (germline): Likely benign. Review status: reviewed by expert panel (3 of 4 stars). 6 submissions from 6 submitters: Likely benign (1). 5 of the submissions do not count toward it. Last evaluated 2018-12-19.

Conditions:
Lynch syndrome. Identifiers: Orphanet 144, MedGen C4552100, MONDO:0005835. Disease mechanism: loss of function.
Hereditary cancer-predisposing syndrome. Also called: Tumor predisposition; Hereditary Cancer Syndrome; Hereditary neoplastic syndrome; Neoplastic Syndromes, Hereditary. Identifiers: Orphanet 140162, MedGen C0027672, MeSH D009386, MONDO:0015356.
Hereditary nonpolyposis colorectal neoplasms. Identifiers: MedGen C0009405, MeSH D003123.

Allele frequency attached by ClinVar (database versions not stated): gnomAD 0.00001; gnomAD exomes 0.00001; TOPMed 0.00001; ExAC 0.00002.
gnomAD v4.1: 5 of 1,613,986 alleles (0.00031%); highest among the groups gnomAD compares: African/African-American, 0.0027%; no homozygotes.

Submissions (6):

International Society for Gastrointestinal Hereditary Tumours (InSiGHT)
Classification: Likely benign for Lynch syndrome. Last evaluated: 2018-12-19. Review status: reviewed by expert panel. Criteria: Guidelines v2.4. Collection method: curation. Allele origin: germline. Affected: yes.
Comment: Multifactorial likelihood analysis posterior probability < 0.05 (0.028)

Labcorp Genetics (formerly Invitae), Labcorp
Classification: Likely benign for Hereditary nonpolyposis colorectal neoplasms. Last evaluated: 2026-01-06. Review status: criteria provided, single submitter. Criteria: Invitae Variant Classification Sherloc (09022015). Collection method: clinical testing. Allele origin: germline. Not counted in ClinVar's aggregate classification.

Color Diagnostics, LLC DBA Color Health
Classification: Likely benign for Hereditary cancer-predisposing syndrome. Last evaluated: 2023-09-21. Review status: criteria provided, single submitter. Criteria: ACMG Guidelines, 2015. Collection method: clinical testing. Allele origin: germline. Not counted in ClinVar's aggregate classification.

Ambry Genetics
Classification: Likely benign for Hereditary cancer-predisposing syndrome. Last evaluated: 2021-06-01. Review status: criteria provided, single submitter. Criteria: Ambry Variant Classification Scheme 2023. Collection method: clinical testing. Allele origin: germline. Not counted in ClinVar's aggregate classification.

Women's Health and Genetics/Laboratory Corporation of America, LabCorp
Classification: Likely benign. Last evaluated: 2019-09-06. Review status: criteria provided, single submitter. Criteria: LabCorp Variant Classification Summary - May 2015. Collection method: clinical testing. Allele origin: germline. Not counted in ClinVar's aggregate classification.
Comment: Variant summary: MSH6 c.2765G>A (c.2765G>A) results in a conservative amino acid change located in the DNA mismatch repair protein MutS, core domain (IPR007696) of the encoded protein sequence. Three of five in-silico tools predict a benign effect of the variant on protein function. The variant allele was found at a frequency of 8e-06 in 250952 control chromosomes (gnomAD). The available data on variant occurrences in the general population are insufficient to allow any conclusion about variant significance. c.2765G>A has been reported in the literature in individuals affected with colorectal cancer and Lynch Syndrome associated cancers (Houlleberghs_2017, Jun_2017). However, these reports do not provide unequivocal conclusions about association of the variant with Lynch Syndrome. Co-occurrence with another pathogenic variant have been reported (MSH6 c.2805dup , p.Asp936X) in the literature for this variant (Houlleberghs_2017) , providing supporting evidence for a benign role. At least one publication reports experimental evidence evaluating an impact on protein function. These results showed no damaging effect of this variant (Houlleberghs_2017). Four submitters including one expert panel (InSiGHT) have provided clinical-significance assessments for this variant to ClinVar after 2014 without evidence for independent evaluation (3x uncertain significance and 1x Likely benign-InSiGHT). Based on the evidence outlined above, the variant was classified as likely benign.

GeneDx
Classification: Uncertain significance. Last evaluated: 2016-12-27. Review status: criteria provided, single submitter. Criteria: GeneDx Variant Classification (06012015). Collection method: clinical testing. Allele origin: germline. Affected: yes. Not counted in ClinVar's aggregate classification.
Comment: This variant is denoted MSH6 c.2765G>A at the cDNA level, p.Arg922Gln (R922Q) at the protein level, and results in the change of an Arginine to a Glutamine (CGA>CAA). Although this variant has not been reported as a germline variant to our knowledge, MSH6 Arg922Gln has been published as a somatic variant in an endometrial tumor and gastric tumor (Wang 2011, Mehnert 2016).MSH6 Arg922Gln was not observed in approximately 6,500 individuals of European and African American ancestry in the NHLBI Exome Sequencing Project, suggesting it is not a common benign variant in these populations. Since Arginine and Glutamine differ in some properties, this is considered a semi-conservative amino acid substitution. MSH6 Arg922Gln occurs at a position that is not conserved and is located in domain III of the MutS domain (Terui 2013). In silico analyses are inconsistent regarding the effect this variant may have on protein structure and function. Based on currently available evidence, it is unclear whether MSH6 Arg922Gln is a pathogenic or benign variant. We consider it to be a variant of uncertain significance.

Literature cited by the submitters: PubMed 28206961 (cited by Ambry Genetics and Women's Health and Genetics/Laboratory Corporation of America, LabCorp); PubMed 28531214 (cited by Ambry Genetics and Women's Health and Genetics/Laboratory Corporation of America, LabCorp); PubMed 31965077 (cited by Ambry Genetics); PubMed 29880898 (cited by Women's Health and Genetics/Laboratory Corporation of America, LabCorp).